The following is an entry in ClinVar:

ClinVar aggregate classification (germline): Uncertain significance (1 of 4 stars; one submission).

Submission:

Labcorp Genetics (formerly Invitae), Labcorp
Classification: Uncertain significance. Last evaluated: 2025-03-19. Review status: criteria provided, single submitter. Criteria: Invitae Variant Classification Sherloc (09022015). Collection method: clinical testing. Allele origin: germline.
Comment: This sequence change replaces alanine, which is neutral and non-polar, with aspartic acid, which is acidic and polar, at codon 416 of the TRPV6 protein (p.Ala416Asp). This variant is not present in population databases (gnomAD no frequency). This variant has not been reported in the literature in individuals affected with TRPV6-related conditions. Experimental studies and prediction algorithms are not available or were not evaluated, and the functional significance of this variant is currently unknown. In summary, the available evidence is currently insufficient to determine the role of this variant in disease. Therefore, it has been classified as a Variant of Uncertain Significance.

NM_018646.6(TRPV6):c.1247C>A (p.Ala416Asp)

Gene: TRPV6 (transient receptor potential cation channel subfamily V member 6; minus strand). Cytogenetic location: 7q34.
Variant type: single nucleotide variant.
Coding change: c.1247C>A on transcript NM_018646.6 (MANE Select); coding-DNA position 1247, C replaced by A.
Protein change: p.Ala416Asp; replaces alanine 416 with aspartic acid.
Molecular consequence: missense variant.
Genome position (GRCh38, 1-based): chr7:142,875,160, G>T on the plus strand (C>A on the coding strand, the complement: TRPV6 is on the minus strand). VCF-style: chr7-142875160-G-T. GRCh37 (hg19) VCF-style: chr7-142572913-G-T.
Other names: short protein forms A416D.
Identifiers: ClinVar variation 4765576 (VCV004765576.1).